The following is an entry in ClinVar:

NM_001370.2(DNAH6):c.9379-10A>C

Gene: DNAH6 (dynein axonemal heavy chain 6; plus strand). Cytogenetic location: 2p11.2.
Variant type: single nucleotide variant.
Coding change: c.9379-10A>C on transcript NM_001370.2 (MANE Select); 10 bases into the intron before coding-DNA position 9379, A replaced by C.
Molecular consequence: intron variant.
Genome position (GRCh38, 1-based): chr2:84,713,085, A>C. VCF-style: chr2-84713085-A-C. GRCh37 (hg19) VCF-style: chr2-84940209-A-C.
Identifiers: ClinVar variation 4982416 (VCV004982416.1).

ClinVar aggregate classification (germline): Likely benign (1 of 4 stars; one submission).

Conditions:
DNAH6-related disorder. Also called: DNAH6-related condition.

Submission:

PreventionGenetics, part of Exact Sciences
Classification: Likely benign for DNAH6-related condition. Last evaluated: 2024-11-13. Review status: criteria provided, single submitter. Criteria: ACMG Guidelines, 2015. Collection method: clinical testing. Allele origin: germline.
Comment: This variant is classified as likely benign based on ACMG/AMP sequence variant interpretation guidelines (Richards et al. 2015 PMID: 25741868, with internal and published modifications).